The following is an entry in ClinVar:

ClinVar aggregate classification (germline): Likely pathogenic. Review status: criteria provided, multiple submitters, no conflicts (2 of 4 stars). 2 submissions from 2 submitters: Likely pathogenic (2). Last evaluated 2024-12-02.

Conditions:
TH-deficient dopa-responsive dystonia. Also called: Tyrosine Hydroxylase-Deficient Dopa-Responsive Dystonia; Segawa syndrome, autosomal recessive; DYT-TH. Identifiers: Orphanet 101150, MedGen C2673535, MONDO:0011551, OMIM 605407.

Submissions (2):

Natera, Inc.
Classification: Likely pathogenic for Autosomal recessive Segawa syndrome. Last evaluated: 2024-12-02. Review status: criteria provided, single submitter. Criteria: Natera Variant Classification Schema (03/2026). Collection method: clinical testing. Allele origin: germline.
Comment: The c.1159dup variant in TH is a frameshift variant predicted to shift the reading frame beginning at codon 387 and leads to a stop codon 6 codons downstream. This variant is expected to result in nonsense mediated decay, truncation, or a dysfunctional protein product. This variant is rare in the general population with a frequency below the threshold expected for the associated phenotype(s). Given the available evidence, this variant is classified as Likely Pathogenic.

Baylor Genetics
Classification: Likely pathogenic for TH-deficient dopa-responsive dystonia. Last evaluated: 2023-09-05. Review status: criteria provided, single submitter. Criteria: ACMG Guidelines, 2015. Collection method: clinical testing. Allele origin: unknown.

NM_000360.4(TH):c.1066dup (p.Leu356fs)

Gene: TH (tyrosine hydroxylase; minus strand). Cytogenetic location: 11p15.5.
Variant type: Duplication.
Coding change: c.1066dup on transcript NM_000360.4 (MANE Select); coding-DNA position 1066, one base duplicated (C; older notation c.1066dupC).
Protein change: p.Leu356fs; shifts the reading frame from leucine 356.
Molecular consequence: frameshift variant.
Genome position (GRCh38, 1-based): chr11:2,166,040, G duplicated on the plus strand (C on the coding strand, the reverse complement: TH is on the minus strand); the first of 3 consecutive G bases (chr11:2,166,040-2,166,042); duplicating any one gives the same sequence. VCF-style (leftmost placement, unchanged base first): chr11-2166039-A-AG. GRCh37 (hg19) VCF-style: chr11-2187269-A-AG.
Other names: c.1159dup, p.Leu387fs (NM_199292.3); c.1147dup, p.Leu383fs (NM_199293.3); c.1159dup (NM_199292.2); short protein forms L356fs, L383fs, L387fs.
Identifiers: ClinVar variation 2679198 (VCV002679198.2), dbSNP rs2495796661, ClinGen allele CA2695201059.
Genomic context (GRCh38, chr11:2,166,039, plus strand): 5'-CCTGCAGGGAGGGGTCAACCCACCGTGGACAGCTTCTCAATTTCCTCATCCGAGGCCCCC[A>AG]GGGACGCCAGGCCAATGTCCTGTGGAGCAGGGAGGATGAAGGATGGGGAGAGGCAGCCCT-3'